The following is an entry in ClinVar:

ClinVar aggregate classification (germline): Conflicting classifications of pathogenicity. Review status: criteria provided, conflicting classifications (1 of 4 stars). 6 submissions from 6 submitters: Uncertain significance (2); Likely benign (4). Last evaluated 2025-12-02.

Conditions:
Left ventricular noncompaction 8 (LVNC8). Identifiers: Orphanet 154, Orphanet 54260, MedGen C3809288, MONDO:0014152, OMIM 615373.

Allele frequency attached by ClinVar (database versions not stated): gnomAD 0.00029 and 0.00035; ExAC 0.00030; TOPMed 0.00041; ESP Exome Variant Server 0.00049.
gnomAD v4.1: 774 of 1,613,086 alleles (0.048%); highest among the groups gnomAD compares: Non-Finnish European, 0.059%; no homozygotes.

Submissions (6):

Labcorp Genetics (formerly Invitae), Labcorp
Classification: Uncertain significance for Left ventricular noncompaction 8. Last evaluated: 2025-12-02. Review status: criteria provided, single submitter. Criteria: Invitae Variant Classification Sherloc (09022015). Collection method: clinical testing. Allele origin: germline.
Comment: This sequence change replaces alanine, which is neutral and non-polar, with threonine, which is neutral and polar, at codon 761 of the PRDM16 protein (p.Ala761Thr). This variant is present in population databases (rs200947814, gnomAD 0.07%), and has an allele count higher than expected for a pathogenic variant. This variant has not been reported in the literature in individuals affected with PRDM16-related conditions. ClinVar contains an entry for this variant (Variation ID: 406239). An algorithm developed to predict the effect of missense changes on protein structure and function outputs the following: PolyPhen-2: "Benign". The threonine amino acid residue is found in multiple mammalian species, which suggests that this missense change does not adversely affect protein function. In summary, the available evidence is currently insufficient to determine the role of this variant in disease. Therefore, it has been classified as a Variant of Uncertain Significance.

Mayo Clinic Laboratories, Mayo Clinic
Classification: Likely benign. Last evaluated: 2025-10-22. Review status: criteria provided, single submitter. Criteria: ACMG Guidelines, 2015. Collection method: clinical testing. Allele origin: germline. Observed: 1 variant allele.
Comment: BS1, BP4_moderate

Women's Health and Genetics/Laboratory Corporation of America, LabCorp
Classification: Likely benign. Last evaluated: 2025-01-22. Review status: criteria provided, single submitter. Criteria: LabCorp Variant Classification Summary - May 2015. Collection method: clinical testing. Allele origin: germline.

CeGaT Center for Human Genetics Tuebingen
Classification: Likely benign. Last evaluated: 2024-12-01. Review status: criteria provided, single submitter. Criteria: CeGaT Center For Human Genetics Tuebingen Variant Classification Criteria Version 2. Collection method: clinical testing. Allele origin: germline. Affected: yes. Observed: 2 variant alleles.
Comment: PRDM16: BP4, BS1

Blueprint Genetics
Classification: Likely benign. Last evaluated: 2024-11-07. Review status: criteria provided, single submitter. Criteria: ACMG Guidelines, 2015. Collection method: clinical testing. Allele origin: germline.

GeneDx
Classification: Uncertain significance. Last evaluated: 2020-01-03. Review status: criteria provided, single submitter. Criteria: GeneDx Variant Classification Process June 2021. Collection method: clinical testing. Allele origin: germline. Affected: yes.
Comment: Has not been previously published in association with cardiomyopathy to our knowledge; Reported in ClinVar as a variant of uncertain significance (ClinVar Variant ID# 406239; Landrum et al., 2016); In silico analysis, which includes protein predictors and evolutionary conservation, supports that this variant does not alter protein structure/function; This variant is associated with the following publications: (PMID: 28050010)

NM_022114.4(PRDM16):c.2281G>A (p.Ala761Thr)

Gene: PRDM16 (PR/SET domain 16; plus strand). Cytogenetic location: 1p36.32.
Variant type: single nucleotide variant.
Coding change: c.2281G>A on transcript NM_022114.4 (MANE Select); coding-DNA position 2281, G replaced by A.
Protein change: p.Ala761Thr; replaces alanine 761 with threonine.
Molecular consequence: missense variant.
Genome position (GRCh38, 1-based): chr1:3,412,478, G>A. VCF-style: chr1-3412478-G-A. GRCh37 (hg19) VCF-style: chr1-3329042-G-A.
Other names: p.Ala761Thr; c.2281G>A, p.Ala761Thr (NM_199454.3); short protein forms A761T.
Identifiers: ClinVar variation 406239 (VCV000406239.37), dbSNP rs200947814, ClinGen allele CA544436.